The following is an entry in ClinVar:

ClinVar aggregate classification (germline): Benign. Review status: reviewed by expert panel (3 of 4 stars). 4 submissions from 4 submitters: Benign (1). 3 of the submissions do not count toward it. Last evaluated 2025-09-07.

Conditions:
Primary ciliary dyskinesia. Also called: Ciliary dyskinesia. Identifiers: Orphanet 244, MedGen C0008780, MONDO:0016575, HP:0012265.
RPGR-related retinopathy. Also called: RPGR retinopathy. Identifiers: MedGen CN305589, MONDO:0100437.

Allele frequency attached by ClinVar (database versions not stated): gnomAD 0.00001; TOPMed 0.00002; gnomAD exomes 0.00004; ExAC 0.00010.
gnomAD v4.1: 45 of 1,210,441 alleles (0.0037%); highest among the groups gnomAD compares: South Asian, 0.077%; no homozygotes.

Submissions (4):

ClinGen X-linked Inherited Retinal Disease Variant Curation Expert Panel, ClinGen
Classification: Benign for RPGR-related retinopathy. Last evaluated: 2025-09-07. Review status: reviewed by expert panel. Criteria: ClinGen X LinkedIRD ACMG Specifications RPGR V1.0.0. Collection method: curation. Allele origin: germline. Inheritance: X-linked inheritance.
Comment: NM_001034853.2(RPGR):c.320A>G (p.Asn107Ser) is a missense variant causing substitution of asparagine by serine at amino acid 107. This variant is present in gnomAD v4.1.0 at a frequency of 0.00005528 among hemizygous individuals, with 22 variant alleles / 398,005 total hemizygous alleles, which is higher than the ClinGen X-linked IRD VCEP BA1 threshold of >0.00005 (BA1). The computational predictor REVEL gives a score of 0.197, which is below the ClinGen X-linked IRD VCEP threshold of <0.290 and predicts a non-damaging effect on RPGR function. Additionally, the splicing impact predictor SpliceAI gives a delta score of 0.01, which is below the ClinGen X- linked IRD VCEP recommended threshold of <0.1 and does not strongly predict an impact on splicing (BP4). In summary, this variant is classified as benign for RPGR-related retinopathy based on the ClinGen X-linked Inherited Retinal Disease Expert Panel Specifications to the ACMG/AMP Variant Interpretation Guidelines for RPGR Version 1.0.0; BA1 and BP4.

Labcorp Genetics (formerly Invitae), Labcorp
Classification: Likely benign for Primary ciliary dyskinesia. Last evaluated: 2025-09-19. Review status: criteria provided, single submitter. Criteria: Invitae Variant Classification Sherloc (09022015). Collection method: clinical testing. Allele origin: germline. Not counted in ClinVar's aggregate classification.

Blueprint Genetics
Classification: Likely benign. Last evaluated: 2024-04-18. Review status: criteria provided, single submitter. Criteria: ACMG Guidelines, 2015. Collection method: clinical testing. Allele origin: germline. Not counted in ClinVar's aggregate classification.

Ambry Genetics
Classification: Likely benign for Primary ciliary dyskinesia. Last evaluated: 2023-07-12. Review status: criteria provided, single submitter. Criteria: Ambry Variant Classification Scheme 2023. Collection method: clinical testing. Allele origin: germline. Not counted in ClinVar's aggregate classification.

NM_001034853.2(RPGR):c.320A>G (p.Asn107Ser)

Gene: RPGR (retinitis pigmentosa GTPase regulator; minus strand). Cytogenetic location: Xp11.4.
Variant type: single nucleotide variant.
Coding change: c.320A>G on transcript NM_001034853.2 (MANE Select); coding-DNA position 320, A replaced by G.
Protein change: p.Asn107Ser; replaces asparagine 107 with serine.
Molecular consequence: missense variant. On other transcripts: non-coding transcript variant (6).
Genome position (GRCh38, 1-based): chrX:38,318,978, T>C on the plus strand (A>G on the coding strand, the complement: RPGR is on the minus strand). VCF-style: chrX-38318978-T-C. GRCh37 (hg19) VCF-style: chrX-38178231-T-C.
Other names: NM_001034853.2(RPGR):c.320A>G; p.Asn107Ser; c.320A>G, p.Asn107Ser (NM_000328.3, NM_001367245.1, NM_001367246.1 and 3 more transcripts); c.350A>G, p.Asn117Ser (NM_001367248.1); c.317A>G, p.Asn106Ser (NM_001367249.1); c.320A>G (NM_000328.2); short protein forms N106S, N107S, N117S.
Identifiers: ClinVar variation 2043694 (VCV002043694.8), dbSNP rs748199207, ClinGen allele CA10385669.